The following is an entry in ClinVar:

NM_018075.5(ANO10):c.850C>A (p.Pro284Thr)

Gene: ANO10 (anoctamin 10; minus strand). Cytogenetic location: 3p22.1.
Variant type: single nucleotide variant.
Coding change: c.850C>A on transcript NM_018075.5 (MANE Select); coding-DNA position 850, C replaced by A.
Protein change: p.Pro284Thr; replaces proline 284 with threonine.
Molecular consequence: missense variant. On other transcripts: intron variant (1).
Genome position (GRCh38, 1-based): chr3:43,577,004, G>T on the plus strand (C>A on the coding strand, the complement: ANO10 is on the minus strand). VCF-style: chr3-43577004-G-T. GRCh37 (hg19) VCF-style: chr3-43618496-G-T.
Other names: c.850C>A, p.Pro284Thr (NM_001204831.3, NM_001346463.2, NM_001346464.2 and 3 more transcripts); c.652C>A, p.Pro218Thr (NM_001204832.3, NM_001346466.2, NM_001346469.2); c.517C>A, p.Pro173Thr (NM_001204833.3); c.593-2140C>A (NM_001204834.3); short protein forms P284T, P173T, P218T.
Identifiers: ClinVar variation 585397 (VCV000585397.8), dbSNP rs192531429, ClinGen allele CA2340934.
Genomic context (GRCh38, chr3:43,577,004, plus strand): 5'-GAGGCTCCTCCTTCCCAGTGATGGAATTGATACCCAAGACACCATGAAATCCTGGCCGGG[G>T]CTCCTCAAACTTTCTCTTCATGAGCAGTGTCCCCCACCTGTAGGTCATGTTGGCACAGCC-3'
Protein context (NP_060545.3, residues 274-294): TLLMKRKFEE[Pro284Thr]RPGFHGVLGI

ClinVar aggregate classification (germline): Uncertain significance. Review status: criteria provided, multiple submitters, no conflicts (2 of 4 stars). 3 submissions from 3 submitters: Uncertain significance (3). Last evaluated 2023-10-23.

Allele frequency attached by ClinVar (database versions not stated): ExAC 0.00003; gnomAD exomes 0.00006; TOPMed 0.00006; gnomAD 0.00030 and 0.00031; 1000 Genomes Project 0.00060; 1000 Genomes Project 30x 0.00062.
gnomAD v4.1: 89 of 1,613,736 alleles (0.0055%); highest among the groups gnomAD compares: Admixed American, 0.14%; no homozygotes.

Submissions (3):

Blueprint Genetics
Classification: Uncertain significance. Last evaluated: 2023-10-23. Review status: criteria provided, single submitter. Criteria: ACMG Guidelines, 2015. Collection method: clinical testing. Allele origin: germline.

Labcorp Genetics (formerly Invitae), Labcorp
Classification: Uncertain significance. Last evaluated: 2021-08-13. Review status: criteria provided, single submitter. Criteria: Invitae Variant Classification Sherloc (09022015). Collection method: clinical testing. Allele origin: germline.
Comment: This sequence change replaces proline with threonine at codon 284 of the ANO10 protein (p.Pro284Thr). The proline residue is highly conserved and there is a small physicochemical difference between proline and threonine. This variant is present in population databases (rs192531429, ExAC 0.03%). This missense change has been observed in individual(s) with clinical features of ANO10-related conditions (Invitae). Algorithms developed to predict the effect of missense changes on protein structure and function are either unavailable or do not agree on the potential impact of this missense change (SIFT: "Deleterious"; PolyPhen-2: "Probably Damaging"; Align-GVGD: "Class C0"). In summary, the available evidence is currently insufficient to determine the role of this variant in disease. Therefore, it has been classified as a Variant of Uncertain Significance.

Athena Diagnostics
Classification: Uncertain significance. Last evaluated: 2017-10-12. Review status: criteria provided, single submitter. Criteria: Athena Diagnostics Criteria. Collection method: clinical testing. Allele origin: germline.